The following is an entry in ClinVar:

NM_001127453.2(GSDME):c.1334T>A (p.Phe445Tyr)

Gene: GSDME (gasdermin E; minus strand). Cytogenetic location: 7p15.3.
Variant type: single nucleotide variant.
Coding change: c.1334T>A on transcript NM_001127453.2 (MANE Select); coding-DNA position 1334, T replaced by A.
Protein change: p.Phe445Tyr; replaces phenylalanine 445 with tyrosine.
Molecular consequence: missense variant.
Genome position (GRCh38, 1-based): chr7:24,699,183, A>T on the plus strand (T>A on the coding strand, the complement: GSDME is on the minus strand). VCF-style: chr7-24699183-A-T. GRCh37 (hg19) VCF-style: chr7-24738802-A-T.
Other names: c.842T>A, p.Phe281Tyr (NM_001127454.2); c.1334T>A, p.Phe445Tyr (NM_004403.3); short protein forms F445Y, F281Y.
Identifiers: ClinVar variation 44841 (VCV000044841.17), dbSNP rs61731036, ClinGen allele CA135159.

ClinVar aggregate classification (germline): Benign. Review status: criteria provided, multiple submitters, no conflicts (2 of 4 stars). 4 submissions from 4 submitters: Benign (4). Last evaluated 2026-01-28.

Conditions:
Autosomal dominant nonsyndromic hearing loss 5. Identifiers: Orphanet 90635, MedGen C1832932, MONDO:0010973, OMIM 600994.

Allele frequency attached by ClinVar (database versions not stated): ESP Exome Variant Server 0.00046; TOPMed 0.00254; 1000 Genomes Project 0.00260; 1000 Genomes Project 30x 0.00312.
gnomAD v4.1: 1,442 of 1,614,164 alleles (0.089%); highest among the groups gnomAD compares: Admixed American, 2.2%; 22 homozygotes.

Submissions (4):

Labcorp Genetics (formerly Invitae), Labcorp
Classification: Benign. Last evaluated: 2026-01-28. Review status: criteria provided, single submitter. Criteria: Invitae Variant Classification Sherloc (09022015). Collection method: clinical testing. Allele origin: germline.

GeneDx
Classification: Benign. Last evaluated: 2018-01-30. Review status: criteria provided, single submitter. Criteria: GeneDx Variant Classification (06012015). Collection method: clinical testing. Allele origin: germline. Affected: yes.
Comment: This variant is considered likely benign or benign based on one or more of the following criteria: it is a conservative change, it occurs at a poorly conserved position in the protein, it is predicted to be benign by multiple in silico algorithms, and/or has population frequency not consistent with disease.

Illumina Laboratory Services, Illumina
Classification: Benign for Autosomal dominant nonsyndromic hearing loss 5. Last evaluated: 2018-01-12. Review status: criteria provided, single submitter. Criteria: ICSL Variant Classification Criteria 13 December 2019. Collection method: clinical testing. Allele origin: germline.
Comment: This variant was observed in the ICSL laboratory as part of a predisposition screen in an ostensibly healthy population. It had not been previously curated by ICSL or reported in the Human Gene Mutation Database (HGMD: prior to June 1st, 2018), and was therefore a candidate for classification through an automated scoring system. Utilizing variant allele frequency, disease prevalence and penetrance estimates, and inheritance mode, an automated score was calculated to assess if this variant is too frequent to cause the disease. Based on the score and internal cut-off values, a variant classified as benign is not then subjected to further curation. The score for this variant resulted in a classification of benign for this disease.

Laboratory for Molecular Medicine, Mass General Brigham Personalized Medicine
Classification: Benign. Last evaluated: 2013-02-12. Review status: criteria provided, single submitter. Criteria: LMM Criteria. Collection method: clinical testing. Allele origin: germline. Observed: 9 variant alleles.
Comment: Phe445Tyr in exon 10 of DFNA: This variant is not expected to have clinical sign ificance because it has been seen in in 2.8% (7/128) of Hispanic chromosomes in 1000Genomes database as well as 0.1% (1/8600) of European American chromosomes a nd 0.1% (5/4406) of African American chromosomes in a broad population by the NH LBI Exome Sequencing Project (rs61731036).